The following is an entry in ClinVar:

ClinVar aggregate classification (germline): Uncertain significance. Review status: criteria provided, multiple submitters, no conflicts (2 of 4 stars). 2 submissions from 2 submitters: Uncertain significance (2). Last evaluated 2023-10-17.

Conditions:
Hereditary sensory and autonomic neuropathy type 6. Also called: Neuropathy, hereditary sensory and autonomic, type VI; HSAN VI. Identifiers: Orphanet 314381, MedGen C3539003, MONDO:0013839, OMIM 614653.
Epidermolysis bullosa simplex 3, localized or generalized intermediate, with BP230 deficiency (EBS3). Also called: Epidermolysis bullosa simplex due to BP230 deficiency; Epidermolysis bullosa simplex, autosomal recessive 2. Identifiers: Orphanet 412181, MedGen C3809470, MONDO:0014180, OMIM 615425.
Inborn genetic diseases. Identifiers: MedGen C0950123, MeSH D030342.

Allele frequency attached by ClinVar (database versions not stated): gnomAD exomes 0.00001; ExAC 0.00002; TOPMed 0.00003; gnomAD 0.00005 and 0.00006.
gnomAD v4.1: 18 of 1,613,678 alleles (0.0011%); highest among the groups gnomAD compares: African/African-American, 0.021%; no homozygotes.

Submissions (2):

Ambry Genetics
Classification: Uncertain significance for Inborn genetic diseases. Last evaluated: 2023-10-17. Review status: criteria provided, single submitter. Criteria: Ambry Variant Classification Scheme 2023. Collection method: clinical testing. Allele origin: germline.

Labcorp Genetics (formerly Invitae), Labcorp
Classification: Uncertain significance for Epidermolysis bullosa simplex 3, localized or generalized intermediate, with BP230 deficiency; Hereditary sensory and autonomic neuropathy type 6. Last evaluated: 2022-03-26. Review status: criteria provided, single submitter. Criteria: Invitae Variant Classification Sherloc (09022015). Collection method: clinical testing. Allele origin: germline.
Comment: The DST gene has multiple clinically relevant transcripts. This variant occurs in alternate transcript NM_015548.4, and corresponds to NM_001723.5:c.*89032C>T in the primary transcript. This sequence change replaces proline, which is neutral and non-polar, with leucine, which is neutral and non-polar, at codon 3379 of the DST protein (p.Pro3379Leu). This variant is present in population databases (rs762167722, gnomAD 0.01%). This variant has not been reported in the literature in individuals affected with DST-related conditions. Experimental studies and prediction algorithms are not available or were not evaluated, and the functional significance of this variant is currently unknown. In summary, the available evidence is currently insufficient to determine the role of this variant in disease. Therefore, it has been classified as a Variant of Uncertain Significance.

NM_001374736.1(DST):c.18005C>T (p.Pro6002Leu)

Gene: DST (dystonin; minus strand). Cytogenetic location: 6p12.1.
Variant type: single nucleotide variant.
Coding change: c.18005C>T on transcript NM_001374736.1 (MANE Select); coding-DNA position 18005, C replaced by T.
Protein change: p.Pro6002Leu; replaces proline 6002 with leucine.
Molecular consequence: missense variant.
Genome position (GRCh38, 1-based): chr6:56,526,485, G>A on the plus strand (C>T on the coding strand, the complement: DST is on the minus strand). VCF-style: chr6-56526485-G-A. GRCh37 (hg19) VCF-style: chr6-56391283-G-A.
Other names: c.11648C>T, p.Pro3883Leu (NM_001144769.5); c.11234C>T, p.Pro3745Leu (NM_001144770.2); c.18005C>T, p.Pro6002Leu (NM_001374722.1); c.17045C>T, p.Pro5682Leu (NM_001374729.1); c.10787C>T, p.Pro3596Leu (NM_001374730.1); c.18032C>T, p.Pro6011Leu (NM_001374734.1); c.11114C>T, p.Pro3705Leu (NM_001386100.1, NM_183380.4); c.10136C>T, p.Pro3379Leu (NM_015548.5); and 1 more; short protein forms P3379L, P6011L, P6002L, P3705L, P3883L, P5682L, P3596L, P3745L.
Identifiers: ClinVar variation 1400785 (VCV001400785.7), dbSNP rs762167722, ClinGen allele CA3867320.